The following is an entry in ClinVar:

NM_000080.4(CHRNE):c.1150C>G (p.Leu384Val)

Genes: CHRNE (cholinergic receptor nicotinic epsilon subunit; minus strand), LOC130060040 (ATAC-STARR-seq lymphoblastoid silent region 8049; plus strand). Cytogenetic location: 17p13.2.
Variant type: single nucleotide variant.
Coding change: c.1150C>G on transcript NM_000080.4 (MANE Select); coding-DNA position 1150, C replaced by G.
Protein change: p.Leu384Val; replaces leucine 384 with valine.
Molecular consequence: missense variant.
Genome position (GRCh38, 1-based): chr17:4,899,267, G>C on the plus strand (C>G on the coding strand, the complement: CHRNE is on the minus strand). VCF-style: chr17-4899267-G-C. GRCh37 (hg19) VCF-style: chr17-4802562-G-C.
Other names: short protein forms L384V.
Identifiers: ClinVar variation 4800649 (VCV004800649.1).
Genomic context (GRCh38, chr17:4,899,267, plus strand): 5'-TCCCCTGCCGGTGCCTCTGCCCCTCAAACACGAGCTCGCTCCGTGGCTTTTTCAGTATCA[G>C]CTCCTCCGCGCGGAGCAATAAGCCCACCGACGACGCCCGCCTTGGGGGCGAGGCGGCCCG-3'
Protein context (NP_000071.1, residues 374-394): SVGLLLRAEE[Leu384Val]ILKKPRSELV

ClinVar aggregate classification (germline): Uncertain significance (1 of 4 stars; one submission).

Conditions:
Congenital myasthenic syndrome 4A. Also called: Myasthenic syndrome, congenital, 4a, slow-channel; CONGENITAL MYASTHENIC SYNDROME TYPE Ia1; MYASTHENIC SYNDROME, CONGENITAL, 4A, SLOW-CHANNEL, AUTOSOMAL RECESSIVE. Identifiers: Orphanet 590, MedGen C4225413, MONDO:0011600, OMIM 605809.

Submission:

Labcorp Genetics (formerly Invitae), Labcorp
Classification: Uncertain significance for Congenital myasthenic syndrome 4A. Last evaluated: 2025-04-09. Review status: criteria provided, single submitter. Criteria: Invitae Variant Classification Sherloc (09022015). Collection method: clinical testing. Allele origin: germline.
Comment: This sequence change replaces leucine, which is neutral and non-polar, with valine, which is neutral and non-polar, at codon 384 of the CHRNE protein (p.Leu384Val). This variant is not present in population databases (gnomAD no frequency). This variant has not been reported in the literature in individuals affected with CHRNE-related conditions. Invitae Evidence Modeling of protein sequence and biophysical properties (such as structural, functional, and spatial information, amino acid conservation, physicochemical variation, residue mobility, and thermodynamic stability) indicates that this missense variant is not expected to disrupt CHRNE protein function with a negative predictive value of 95%. In summary, the available evidence is currently insufficient to determine the role of this variant in disease. Therefore, it has been classified as a Variant of Uncertain Significance.